The following is an entry in ClinVar:

NM_001370259.2(MEN1):c.950_957del (p.His317fs)

Gene: MEN1 (menin 1; minus strand). Cytogenetic location: 11q13.1.
Variant type: Deletion.
Coding change: c.950_957del on transcript NM_001370259.2 (MANE Select); coding-DNA positions 950 to 957, 8 bases deleted (ACATCTAC; older notation c.950_957delACATCTAC).
Protein change: p.His317fs; shifts the reading frame from histidine 317.
Molecular consequence: frameshift variant.
Genome position (GRCh38, 1-based): chr11:64,806,324-64,806,331, GTAGATGT deleted on the plus strand (ACATCTAC on the coding strand, the reverse complement: MEN1 is on the minus strand); deleting any 8 consecutive bases within chr11:64,806,324-64,806,333 gives the same sequence; the c. name uses the placement nearest the transcript's 3' end. VCF-style (leftmost placement, unchanged base first): chr11-64806323-GGTAGATGT-G. GRCh37 (hg19) VCF-style: chr11-64573795-GGTAGATGT-G.
Other names: c.965_972del, p.His322fs (NM_000244.4, NM_130800.3, NM_130801.3 and 3 more transcripts); c.950_957del, p.His317fs (NM_001370251.2, NM_001370260.2, NM_001370261.2 and 1 more transcripts); c.845_852del, p.His282fs (NM_001370262.2, NM_001370263.2); c.950_957delACATCTAC (NM_130799.2); short protein forms H317fs, H322fs, H282fs.
Identifiers: ClinVar variation 200998 (VCV000200998.2), dbSNP rs794728641, ClinGen allele CA009657.

ClinVar aggregate classification (germline): Pathogenic (1 of 4 stars; one submission).

Submission:

GeneDx
Classification: Pathogenic. Last evaluated: 2013-12-18. Review status: criteria provided, single submitter. Criteria: GeneDx Variant Classification (06012015). Collection method: clinical testing. Allele origin: germline. Affected: yes.
Comment: The c.950_957delACATCTAC mutation in the MEN1 gene causes a frameshift starting with codon Histidine 317, changes this amino acid to a Proline residue and creates a premature Stop codon at position 47 of the new reading frame, denoted p.His317ProfsX47. The normal sequence with the bases that are deleted in braces is: GAAC{ACATCTAC}CCCT. This mutation is predicted to cause loss of normal protein function either through protein truncation or nonsense-mediated mRNA decay. Although this mutation has not been previously reported to our knowledge, its presence is consistent with a diagnosis of multiple endocrine neoplasia Type1. The variant is found in MEN1 panel(s).